The following is an entry in ClinVar:

ClinVar aggregate classification (germline): Uncertain significance (1 of 4 stars; one submission).

Allele frequency attached by ClinVar (database versions not stated): gnomAD exomes below 0.00001.

Submission:

GeneDx
Classification: Uncertain significance. Last evaluated: 2024-01-24. Review status: criteria provided, single submitter. Criteria: GeneDx Variant Classification Process June 2021. Collection method: clinical testing. Allele origin: germline. Affected: yes.
Comment: Not observed at significant frequency in large population cohorts (gnomAD); In silico analysis supports that this missense variant has a deleterious effect on protein structure/function; Has not been previously published as pathogenic or benign to our knowledge

NM_002234.4(KCNA5):c.542C>A (p.Ser181Tyr)

Gene: KCNA5 (potassium voltage-gated channel subfamily A member 5; plus strand). Cytogenetic location: 12p13.32.
Variant type: single nucleotide variant.
Coding change: c.542C>A on transcript NM_002234.4 (MANE Select); coding-DNA position 542, C replaced by A.
Protein change: p.Ser181Tyr; replaces serine 181 with tyrosine.
Molecular consequence: missense variant.
Genome position (GRCh38, 1-based): chr12:5,044,689, C>A. VCF-style: chr12-5044689-C-A. GRCh37 (hg19) VCF-style: chr12-5153855-C-A.
Other names: short protein forms S181Y.
Identifiers: ClinVar variation 1314974 (VCV001314974.3), dbSNP rs2137772013, ClinGen allele CA383464654.